The following is an entry in ClinVar:

NM_032801.5(JAM3):c.843-3T>C

Gene: JAM3 (junctional adhesion molecule 3; plus strand). Cytogenetic location: 11q25.
Variant type: single nucleotide variant.
Coding change: c.843-3T>C on transcript NM_032801.5 (MANE Select); 3 bases into the intron before coding-DNA position 843, T replaced by C.
Molecular consequence: intron variant.
Genome position (GRCh38, 1-based): chr11:134,148,761, T>C. VCF-style: chr11-134148761-T-C. GRCh37 (hg19) VCF-style: chr11-134018656-T-C.
Other names: c.690-3T>C (NM_001205329.2).
Identifiers: ClinVar variation 518240 (VCV000518240.13), dbSNP rs610382, ClinGen allele CA6370241.

ClinVar aggregate classification (germline): Benign. Review status: criteria provided, multiple submitters, no conflicts (2 of 4 stars). 6 submissions from 6 submitters: Benign (5). 1 of the submissions does not count toward it. Last evaluated 2026-02-02.

Conditions:
Porencephaly-microcephaly-bilateral congenital cataract syndrome. Identifiers: Orphanet 306547, MedGen C3151000, MONDO:0013394, OMIM 613730.

Allele frequency attached by ClinVar (database versions not stated): gnomAD exomes 0.39931; ExAC 0.40132; ESP Exome Variant Server 0.45899; gnomAD 0.47190 and 0.47741; TOPMed 0.49037; 1000 Genomes Project 0.53814; 1000 Genomes Project 30x 0.54825.
gnomAD v4.1: 581,206 of 1,613,444 alleles (36%); highest among the groups gnomAD compares: African/African-American, 76%; 114,503 homozygotes.

Submissions (6):

Labcorp Genetics (formerly Invitae), Labcorp
Classification: Benign. Last evaluated: 2026-02-02. Review status: criteria provided, single submitter. Criteria: Invitae Variant Classification Sherloc (09022015). Collection method: clinical testing. Allele origin: germline.

Blueprint Genetics
Classification: Benign. Last evaluated: 2024-11-27. Review status: criteria provided, single submitter. Criteria: ACMG Guidelines, 2015. Collection method: clinical testing. Allele origin: germline.

GeneDx
Classification: Benign. Last evaluated: 2018-03-24. Review status: criteria provided, single submitter. Criteria: GeneDx Variant Classification (06012015). Collection method: clinical testing. Allele origin: germline. Affected: yes.
Comment: This variant is considered likely benign or benign based on one or more of the following criteria: it is a conservative change, it occurs at a poorly conserved position in the protein, it is predicted to be benign by multiple in silico algorithms, and/or has population frequency not consistent with disease.

Clinical Genetics DNA and cytogenetics Diagnostics Lab, Erasmus MC, Erasmus Medical Center
Classification: Benign for Porencephaly-microcephaly-bilateral congenital cataract syndrome. Last evaluated: 2017-05-31. Review status: criteria provided, single submitter. Criteria: ACGS Guidelines, 2013. Collection method: clinical testing. Allele origin: germline. Affected: yes. Study: VKGL Data-share Consensus.

Breakthrough Genomics
Classification: Benign. Review status: criteria provided, single submitter. Criteria: ACMG Guidelines, 2015. Collection method: not provided. Allele origin: germline. Inheritance: Autosomal recessive inheritance. Affected: yes.

Diagnostic Laboratory, Department of Genetics, University Medical Center Groningen
Classification: Benign for Porencephaly-microcephaly-bilateral congenital cataract syndrome. Review status: no assertion criteria provided. Collection method: clinical testing. Allele origin: germline. Affected: yes. Study: VKGL Data-share Consensus. Not counted in ClinVar's aggregate classification.